The following is an entry in ClinVar:

ClinVar aggregate classification (germline): Uncertain significance. Review status: criteria provided, multiple submitters, no conflicts (2 of 4 stars). 2 submissions from 2 submitters: Uncertain significance (2). Last evaluated 2023-12-05.

Conditions:
Hereditary cancer-predisposing syndrome. Also called: Tumor predisposition; Hereditary Cancer Syndrome; Neoplastic Syndromes, Hereditary; Hereditary neoplastic syndrome. Identifiers: Orphanet 140162, MedGen C0027672, MeSH D009386, MONDO:0015356.

gnomAD v4.1: 1 of 1,614,174 alleles (0.000062%); highest among the groups gnomAD compares: Non-Finnish European, 0.000085%; no homozygotes.

Submissions (2):

Color Diagnostics, LLC DBA Color Health
Classification: Uncertain significance for Hereditary cancer-predisposing syndrome. Last evaluated: 2023-12-05. Review status: criteria provided, single submitter. Criteria: ACMG Guidelines, 2015. Collection method: clinical testing. Allele origin: germline.
Comment: This missense variant replaces lysine with asparagine at codon 412 of the MSH6 protein. Computational prediction suggests that this variant may not impact protein structure and function (internally defined REVEL score threshold <= 0.5, PMID: 27666373). To our knowledge, functional studies have not been reported for this variant. This variant has not been reported in individuals affected with MSH6-related disorders in the literature. This variant has not been identified in the general population by the Genome Aggregation Database (gnomAD). The available evidence is insufficient to determine the role of this variant in disease conclusively. Therefore, this variant is classified as a Variant of Uncertain Significance.

Ambry Genetics
Classification: Uncertain significance for Hereditary cancer-predisposing syndrome. Last evaluated: 2022-08-07. Review status: criteria provided, single submitter. Criteria: Ambry Variant Classification Scheme 2023. Collection method: clinical testing. Allele origin: germline.
Comment: The p.K412N variant (also known as c.1236G>T), located in coding exon 4 of the MSH6 gene, results from a G to T substitution at nucleotide position 1236. The lysine at codon 412 is replaced by asparagine, an amino acid with similar properties. This amino acid position is conserved. In addition, the in silico prediction for this alteration is inconclusive. Since supporting evidence is limited at this time, the clinical significance of this alteration remains unclear.

NM_000179.3(MSH6):c.1236G>T (p.Lys412Asn)

Gene: MSH6 (mutS homolog 6; plus strand). Cytogenetic location: 2p16.3.
Variant type: single nucleotide variant.
Coding change: c.1236G>T on transcript NM_000179.3 (MANE Select); coding-DNA position 1236, G replaced by T.
Protein change: p.Lys412Asn; replaces lysine 412 with asparagine.
Molecular consequence: missense variant.
Genome position (GRCh38, 1-based): chr2:47,799,219, G>T. VCF-style: chr2-47799219-G-T. GRCh37 (hg19) VCF-style: chr2-48026358-G-T.
Other names: c.846G>T, p.Lys282Asn (NM_001281492.2); c.330G>T, p.Lys110Asn (NM_001281494.2, NM_001281493.2); short protein forms K412N, K282N, K110N.
Identifiers: ClinVar variation 627907 (VCV000627907.7), dbSNP rs1553412665, ClinGen allele CA346743699.